The following is an entry in ClinVar:

ClinVar aggregate classification (germline): Uncertain significance. Review status: criteria provided, single submitter (1 of 4 stars). 2 submissions from 2 submitters: Uncertain significance (1). 1 of the submissions does not count toward it. Last evaluated 2026-06-02.

Conditions:
Cardiovascular phenotype. Identifiers: MedGen CN230736.
Charcot-Marie-Tooth disease. Also called: Charcot-Marie-Tooth Neuropathy; Charcot-Marie-Tooth Hereditary Neuropathy. Identifiers: Orphanet 166, MedGen C0007959, MONDO:0015626.

Allele frequency attached by ClinVar (database versions not stated): TOPMed below 0.00001.

Submissions (2):

Ambry Genetics
Classification: Uncertain significance for Cardiovascular phenotype. Last evaluated: 2026-06-02. Review status: criteria provided, single submitter. Criteria: Ambry Variant Classification Scheme 2023. Collection method: clinical testing. Allele origin: germline.
Comment: The p.T643N variant (also known as c.1928C>A), located in coding exon 11 of the LMNA gene, results from a C to A substitution at nucleotide position 1928. The threonine at codon 643 is replaced by asparagine, an amino acid with similar properties. This variant was reported in an individual with neuromuscular disease (Vasli N et al. Acta Neuropathol, 2012 Aug;124:273-83). This amino acid position is not well conserved in available vertebrate species. In addition, the in silico prediction for this alteration is inconclusive. Based on the available evidence, the clinical significance of this variant remains unclear.

Inherited Neuropathy Consortium
Classification: Uncertain significance for Charcot-Marie-Tooth disease. Review status: no assertion criteria provided. Collection method: literature only. Allele origin: germline. Affected: yes. Not counted in ClinVar's aggregate classification.

Literature cited by the submitters: PubMed 22526018 (cited by Ambry Genetics and Inherited Neuropathy Consortium).

NM_170707.4(LMNA):c.1928C>A (p.Thr643Asn)

Gene: LMNA (lamin A/C; plus strand). Cytogenetic location: 1q22.
Variant type: single nucleotide variant.
Coding change: c.1928C>A on transcript NM_170707.4 (MANE Select); coding-DNA position 1928, C replaced by A.
Protein change: p.Thr643Asn; replaces threonine 643 with asparagine.
Molecular consequence: missense variant. On other transcripts: intron variant (1).
Genome position (GRCh38, 1-based): chr1:156,138,717, C>A. VCF-style: chr1-156138717-C-A. GRCh37 (hg19) VCF-style: chr1-156108508-C-A.
Other names: c.1928C>A (NM_170707.2); c.1592C>A, p.Thr531Asn (NM_001257374.3); c.1838C>A, p.Thr613Asn (NM_170708.4); c.1818+110C>A (NM_001282626.2); short protein forms T613N, T643N, T531N.
Identifiers: ClinVar variation 637938 (VCV000637938.2), dbSNP rs777900936, ClinGen allele CA342828008.